The following is an entry in ClinVar:

ClinVar aggregate classification (germline): Uncertain significance. Review status: criteria provided, multiple submitters, no conflicts (2 of 4 stars). 2 submissions from 2 submitters: Uncertain significance (2). Last evaluated 2026-03-29.

Conditions:
Cardiovascular phenotype. Identifiers: MedGen CN230736.

Submissions (2):

Ambry Genetics
Classification: Uncertain significance for Cardiovascular phenotype. Last evaluated: 2026-03-29. Review status: criteria provided, single submitter. Criteria: Ambry Variant Classification Scheme 2023. Collection method: clinical testing. Allele origin: germline.
Comment: The p.A1688P variant (also known as c.5062G>C), located in coding exon 11 of the ALPK3 gene, results from a G to C substitution at nucleotide position 5062. The alanine at codon 1688 is replaced by proline, an amino acid with highly similar properties. This amino acid position is conserved. In addition, this alteration is predicted to be tolerated by in silico analysis. Based on the available evidence, the clinical significance of this variant remains unclear.

Mayo Clinic Laboratories, Mayo Clinic
Classification: Uncertain significance. Last evaluated: 2025-05-06. Review status: criteria provided, single submitter. Criteria: ACMG Guidelines, 2015. Collection method: clinical testing. Allele origin: germline. Observed: 1 variant allele.
Comment: BP4, PM2_supporting

NM_020778.5(ALPK3):c.4456G>C (p.Ala1486Pro)

Gene: ALPK3 (alpha kinase 3; plus strand). Cytogenetic location: 15q25.3.
Variant type: single nucleotide variant.
Coding change: c.4456G>C on transcript NM_020778.5 (MANE Select); coding-DNA position 4456, G replaced by C.
Protein change: p.Ala1486Pro; replaces alanine 1486 with proline.
Molecular consequence: missense variant.
Genome position (GRCh38, 1-based): chr15:84,863,597, G>C. VCF-style: chr15-84863597-G-C. GRCh37 (hg19) VCF-style: chr15-85406828-G-C.
Other names: p.Ala1688Pro; short protein forms A1486P.
Identifiers: ClinVar variation 4541973 (VCV004541973.2).
Genomic context (GRCh38, chr15:84,863,597, plus strand): 5'-TTCCCTCATCCACAGGGGTGCAAGATCCAGAACATGAGTCGGGAGTACTGCAAAATCTTC[G>C]CAGCAGAAGCCCGGGCCGCGCCTGGCTTTGGGGAGGTGCCTGAGTAAGTACGCAGCGAGG-3'
Protein context (NP_065829.4, residues 1476-1496): NMSREYCKIF[Ala1486Pro]AEARAAPGFG